The following is an entry in ClinVar:

NM_016013.4(NDUFAF1):c.309T>G (p.Asp103Glu)

Gene: NDUFAF1 (NADH:ubiquinone oxidoreductase complex assembly factor 1; minus strand). Cytogenetic location: 15q15.1.
Variant type: single nucleotide variant.
Coding change: c.309T>G on transcript NM_016013.4 (MANE Select); coding-DNA position 309, T replaced by G.
Protein change: p.Asp103Glu; replaces aspartic acid 103 with glutamic acid.
Molecular consequence: missense variant. On other transcripts: non-coding transcript variant (1).
Genome position (GRCh38, 1-based): chr15:41,396,751, A>C on the plus strand (T>G on the coding strand, the complement: NDUFAF1 is on the minus strand). VCF-style: chr15-41396751-A-C. GRCh37 (hg19) VCF-style: chr15-41688949-A-C.
Other names: short protein forms D103E.
Identifiers: ClinVar variation 1704027 (VCV001704027.4), dbSNP rs200211064, ClinGen allele CA7491361.
Genomic context (GRCh38, chr15:41,396,751, plus strand): 5'-AACCTTGGCTTGTTCCAGCAAGACCTCATGCAGAGGGTGGCCTTCCGGTCCTCTCCAATG[A>C]TCCACAATTTCATCCTTCAAAAGCCTAAAATGGTATATTGCTTCATCTCTAATTGCTTTA-3'
Protein context (NP_057097.2, residues 93-113): HFRLLKDEIV[Asp103Glu]HWRGPEGHPL

ClinVar aggregate classification (germline): Uncertain significance. Review status: criteria provided, multiple submitters, no conflicts (2 of 4 stars). 2 submissions from 2 submitters: Uncertain significance (2). Last evaluated 2024-09-08.

Allele frequency attached by ClinVar (database versions not stated): ExAC 0.00002.
gnomAD v4.1: 16 of 1,614,138 alleles (0.00099%); highest among the groups gnomAD compares: Non-Finnish European, 0.0014%; no homozygotes.

Submissions (2):

Labcorp Genetics (formerly Invitae), Labcorp
Classification: Uncertain significance. Last evaluated: 2024-09-08. Review status: criteria provided, single submitter. Criteria: Invitae Variant Classification Sherloc (09022015). Collection method: clinical testing. Allele origin: germline.
Comment: This sequence change replaces aspartic acid, which is acidic and polar, with glutamic acid, which is acidic and polar, at codon 103 of the NDUFAF1 protein (p.Asp103Glu). This variant is present in population databases (rs200211064, gnomAD 0.002%). This variant has not been reported in the literature in individuals affected with NDUFAF1-related conditions. ClinVar contains an entry for this variant (Variation ID: 1704027). Invitae Evidence Modeling of protein sequence and biophysical properties (such as structural, functional, and spatial information, amino acid conservation, physicochemical variation, residue mobility, and thermodynamic stability) indicates that this missense variant is not expected to disrupt NDUFAF1 protein function with a negative predictive value of 80%. In summary, the available evidence is currently insufficient to determine the role of this variant in disease. Therefore, it has been classified as a Variant of Uncertain Significance.

GeneDx
Classification: Uncertain significance. Last evaluated: 2022-03-04. Review status: criteria provided, single submitter. Criteria: GeneDx Variant Classification Process June 2021. Collection method: clinical testing. Allele origin: germline. Affected: yes.
Comment: Not observed at significant frequency in large population cohorts (gnomAD); In silico analysis supports that this missense variant does not alter protein structure/function; Has not been previously published as pathogenic or benign to our knowledge